The following is an entry in ClinVar:

NM_032656.4(DHX37):c.70C>A (p.Pro24Thr)

Genes: DHX37 (DEAH-box helicase 37; minus strand), LOC130009166 (ATAC-STARR-seq lymphoblastoid silent region 5073; plus strand). Cytogenetic location: 12q24.31.
Variant type: single nucleotide variant.
Coding change: c.70C>A on transcript NM_032656.4 (MANE Select); coding-DNA position 70, C replaced by A.
Protein change: p.Pro24Thr; replaces proline 24 with threonine.
Molecular consequence: missense variant.
Genome position (GRCh38, 1-based): chr12:124,988,953, G>T on the plus strand (C>A on the coding strand, the complement: DHX37 is on the minus strand). VCF-style: chr12-124988953-G-T. GRCh37 (hg19) VCF-style: chr12-125473499-G-T.
Other names: short protein forms P24T.
Identifiers: ClinVar variation 2028328 (VCV002028328.4), dbSNP rs771416866, ClinGen allele CA245287649.

ClinVar aggregate classification (germline): Uncertain significance (1 of 4 stars; one submission).

gnomAD v4.1: 3 of 1,342,138 alleles (0.00022%); highest among the groups gnomAD compares: Admixed American, 0.003%; no homozygotes.

Submission:

Labcorp Genetics (formerly Invitae), Labcorp
Classification: Uncertain significance. Last evaluated: 2022-09-25. Review status: criteria provided, single submitter. Criteria: Invitae Variant Classification Sherloc (09022015). Collection method: clinical testing. Allele origin: germline.
Comment: This sequence change replaces proline, which is neutral and non-polar, with threonine, which is neutral and polar, at codon 24 of the DHX37 protein (p.Pro24Thr). This variant is not present in population databases (gnomAD no frequency). This variant has not been reported in the literature in individuals affected with DHX37-related conditions. Algorithms developed to predict the effect of missense changes on protein structure and function (SIFT, PolyPhen-2, Align-GVGD) all suggest that this variant is likely to be tolerated. In summary, the available evidence is currently insufficient to determine the role of this variant in disease. Therefore, it has been classified as a Variant of Uncertain Significance.